The following is an entry in ClinVar:

NM_021954.4(GJA3):c.*2231A>G

Gene: GJA3 (gap junction protein alpha 3; minus strand). Cytogenetic location: 13q12.11.
Variant type: single nucleotide variant.
Coding change: c.*2231A>G on transcript NM_021954.4 (MANE Select); 2231 bases downstream of the stop codon, A replaced by G.
Molecular consequence: 3 prime UTR variant.
Genome position (GRCh38, 1-based): chr13:20,139,750, T>C on the plus strand (A>G on the coding strand, the complement: GJA3 is on the minus strand). VCF-style: chr13-20139750-T-C. GRCh37 (hg19) VCF-style: chr13-20713889-T-C.
Identifiers: ClinVar variation 311301 (VCV000311301.6), dbSNP rs59606061, ClinGen allele CA10643885.
Genomic context (GRCh38, chr13:20,139,750, plus strand): 5'-CTCTAAATGGACCCACTAGACTATGGTCAATGGTACAATACTGGCATTTCCATAAACATA[T>C]TGTGACTAAATTCAATTTTAAAATGTAAAAACTAGATACAATTTGAGTTCTCATGCTCAT-3'

ClinVar aggregate classification (germline): Benign. Review status: criteria provided, multiple submitters, no conflicts (2 of 4 stars). 2 submissions from 2 submitters: Benign (2). Last evaluated 2018-01-13.

Conditions:
Cataract 14 multiple types. Also called: CATARACT 14, ZONULAR PULVERULENT; CATARACT 14, NUCLEAR PULVERULENT; CATARACT 14, NUCLEAR PULVERULENT AND POSTERIOR POLAR; CATARACT 14, NUCLEAR CORALLIFORM; CATARACT 14, EMBRYONAL NUCLEAR; CATARACT 14, COPPOCK-LIKE. Identifiers: Orphanet 91492, MedGen C1866078, MONDO:0011162, OMIM 601885.

Allele frequency attached by ClinVar (database versions not stated): TOPMed 0.17714; gnomAD 0.18912 and 0.18153; 1000 Genomes Project 0.16034; 1000 Genomes Project 30x 0.16224.
gnomAD v4.1: 27,444 of 152,156 alleles (18%); highest among the groups gnomAD compares: African/African-American, 34%; 3,395 homozygotes.

Submissions (2):

Illumina Laboratory Services, Illumina
Classification: Benign for Cataract 14 multiple types. Last evaluated: 2018-01-13. Review status: criteria provided, single submitter. Criteria: ICSL Variant Classification Criteria 13 December 2019. Collection method: clinical testing. Allele origin: germline.
Comment: This variant was observed in the ICSL laboratory as part of a predisposition screen in an ostensibly healthy population. It had not been previously curated by ICSL or reported in the Human Gene Mutation Database (HGMD: prior to June 1st, 2018), and was therefore a candidate for classification through an automated scoring system. Utilizing variant allele frequency, disease prevalence and penetrance estimates, and inheritance mode, an automated score was calculated to assess if this variant is too frequent to cause the disease. Based on the score and internal cut-off values, a variant classified as benign is not then subjected to further curation. The score for this variant resulted in a classification of benign for this disease.

Breakthrough Genomics
Classification: Benign. Review status: criteria provided, single submitter. Criteria: ACMG Guidelines, 2015. Collection method: not provided. Allele origin: germline. Inheritance: Autosomal dominant inheritance. Affected: yes.